The following is an entry in ClinVar:

NM_004453.4(ETFDH):c.881C>G (p.Thr294Ser)

Gene: ETFDH (electron transfer flavoprotein dehydrogenase; plus strand). Cytogenetic location: 4q32.1.
Variant type: single nucleotide variant.
Coding change: c.881C>G on transcript NM_004453.4 (MANE Select); coding-DNA position 881, C replaced by G.
Protein change: p.Thr294Ser; replaces threonine 294 with serine.
Molecular consequence: missense variant.
Genome position (GRCh38, 1-based): chr4:158,697,608, C>G. VCF-style: chr4-158697608-C-G. GRCh37 (hg19) VCF-style: chr4-159618760-C-G.
Other names: c.740C>G, p.Thr247Ser (NM_001281737.2); c.698C>G, p.Thr233Ser (NM_001281738.1); short protein forms T233S, T247S, T294S.
Identifiers: ClinVar variation 999945 (VCV000999945.7), dbSNP rs748958949, ClinGen allele CA3122489.
Genomic context (GRCh38, chr4:158,697,608, plus strand): 5'-TTTTTTTTTAGTTATGGGTTATTGATGAAAAGAACTGGAAACCTGGGAGAGTAGATCACA[C>G]TGTTGGTTGGCCCTTGGACAGACATACCTATGGAGGATCTTTCCTCTATCATTTGAATGA-3'
Protein context (NP_004444.2, residues 284-304): KNWKPGRVDH[Thr294Ser]VGWPLDRHTY

ClinVar aggregate classification (germline): Uncertain significance. Review status: criteria provided, single submitter (1 of 4 stars). 2 submissions from 2 submitters: Uncertain significance (1). 1 of the submissions does not count toward it. Last evaluated 2022-09-27.

Conditions:
Multiple acyl-CoA dehydrogenase deficiency (MADD). Also called: Glutaric aciduria, type 2; Glutaric acidemia type II; GA 2; Glutaric Acidemia type 2; ETHYLMALONIC-ADIPICACIDURIA; GA II. Identifiers: Orphanet 26791, MedGen C0268596, MONDO:0009282, OMIM 231680.
Glutaric acidemia type 2C.

Allele frequency attached by ClinVar (database versions not stated): gnomAD exomes 0.00001; ExAC 0.00002.
gnomAD v4.1: 9 of 1,612,518 alleles (0.00056%); highest among the groups gnomAD compares: East Asian, 0.0022%; no homozygotes.

Submissions (2):

Labcorp Genetics (formerly Invitae), Labcorp
Classification: Uncertain significance for Multiple acyl-CoA dehydrogenase deficiency. Last evaluated: 2022-09-27. Review status: criteria provided, single submitter. Criteria: Invitae Variant Classification Sherloc (09022015). Collection method: clinical testing. Allele origin: germline.
Comment: This sequence change replaces threonine, which is neutral and polar, with serine, which is neutral and polar, at codon 294 of the ETFDH protein (p.Thr294Ser). This variant is present in population databases (rs748958949, gnomAD 0.01%). This variant has not been reported in the literature in individuals affected with ETFDH-related conditions. ClinVar contains an entry for this variant (Variation ID: 999945). Advanced modeling of protein sequence and biophysical properties (such as structural, functional, and spatial information, amino acid conservation, physicochemical variation, residue mobility, and thermodynamic stability) performed at Invitae indicates that this missense variant is not expected to disrupt ETFDH protein function. In summary, the available evidence is currently insufficient to determine the role of this variant in disease. Therefore, it has been classified as a Variant of Uncertain Significance.

Natera, Inc.
Classification: Uncertain significance for Glutaric acidemia type 2C. Last evaluated: 2020-09-19. Review status: no assertion criteria provided. Collection method: clinical testing. Allele origin: germline. Not counted in ClinVar's aggregate classification.